The following is an entry in ClinVar:

NM_174913.3(NOP9):c.1027A>G (p.Arg343Gly)

Gene: NOP9 (NOP9 nucleolar protein; plus strand). Cytogenetic location: 14q12.
Variant type: single nucleotide variant.
Coding change: c.1027A>G on transcript NM_174913.3 (MANE Select); coding-DNA position 1027, A replaced by G.
Protein change: p.Arg343Gly; replaces arginine 343 with glycine.
Molecular consequence: missense variant.
Genome position (GRCh38, 1-based): chr14:24,302,308, A>G. VCF-style: chr14-24302308-A-G. GRCh37 (hg19) VCF-style: chr14-24771514-A-G.
Other names: c.1027A>G, p.Arg343Gly (NM_001286367.2); short protein forms R343G.
Identifiers: ClinVar variation 2592661 (VCV002592661.3), dbSNP rs200425444, ClinGen allele CA7132877.
Genomic context (GRCh38, chr14:24,302,308, plus strand): 5'-CTCCGAGATCAGACGAGTTCCAGACTCCTGGAGCAGGTCCTGCTGGTGTTGGAGCCCCCA[A>G]GACTCCAGAGCCTCTTTGAGGAGCACTTGCAGGGGCAGCTGCAGACCCTGGCTGCACATC-3'
Protein context (NP_777573.1, residues 333-353): EQVLLVLEPP[Arg343Gly]LQSLFEEHLQ

ClinVar aggregate classification (germline): Uncertain significance (1 of 4 stars; one submission).

Allele frequency attached by ClinVar (database versions not stated): gnomAD exomes 0.00022; 1000 Genomes Project 0.00020; ESP Exome Variant Server 0.00023; gnomAD 0.00011; TOPMed 0.00017; ExAC 0.00025; 1000 Genomes Project 30x 0.00031.

Submission:

Ambry Genetics
Classification: Uncertain significance. Last evaluated: 2026-08-12. Review status: criteria provided, single submitter. Criteria: Ambry Variant Classification Scheme 2023. Collection method: clinical testing. Allele origin: germline.
Comment: The c.1027A>G (p.R343G) alteration is located in exon 5 (coding exon 5) of the NOP9 gene. This alteration results from a A to G substitution at nucleotide position 1027, causing the arginine (R) at amino acid position 343 to be replaced by a glycine (G). Based on data from gnomAD, the G allele has an overall frequency of 0.019% (54/282872) total alleles studied. The highest observed frequency was 0.069% (5/7228) of Other alleles. Based on insufficient or conflicting evidence, the clinical significance of this alteration remains unclear.